The following is an entry in ClinVar:

NM_000441.2(SLC26A4):c.1246A>C (p.Thr416Pro)

Gene: SLC26A4 (solute carrier family 26 member 4; plus strand). Cytogenetic location: 7q22.3.
Variant type: single nucleotide variant.
Coding change: c.1246A>C on transcript NM_000441.2 (MANE Select); coding-DNA position 1246, A replaced by C.
Protein change: p.Thr416Pro; replaces threonine 416 with proline.
Molecular consequence: missense variant.
Genome position (GRCh38, 1-based): chr7:107,690,220, A>C. VCF-style: chr7-107690220-A-C. GRCh37 (hg19) VCF-style: chr7-107330665-A-C.
Other names: short protein forms T416P.
Identifiers: ClinVar variation 4818 (VCV000004818.58), dbSNP rs28939086, ClinGen allele CA261404.

ClinVar aggregate classification (germline): Pathogenic. Review status: criteria provided, multiple submitters, no conflicts (2 of 4 stars). 25 submissions from 24 submitters: Pathogenic (20). 5 of the submissions do not count toward it. Last evaluated 2026-03-01.

Conditions:
Monogenic hearing loss.
SLC26A4-related disorder. Also called: SLC26A4-related condition; SLC26A4-related disorders.
Rare genetic deafness. Identifiers: Orphanet 96210, MedGen C5680250.
Inborn genetic diseases. Identifiers: MedGen C0950123, MeSH D030342.
Autosomal recessive nonsyndromic hearing loss 4 (DFNB4). Also called: Nonsyndromic enlarged vestibular aqueduct (NSEVA); Deafness, autosomal recessive 4, with enlarged vestibular aqueduct; NEUROSENSORY NONSYNDROMIC RECESSIVE DEAFNESS 4; DEAFNESS, AUTOSOMAL RECESSIVE 4, WITH ENLARGED VESTIBULAR AQUEDUCT, DIGENIC; Deafness, autosomal recessive 4; Enlarged vestibular aqueduct, digenic. Identifiers: Orphanet 90636, MedGen C3538946, MONDO:0010933, OMIM 600791.
Pendred syndrome (PDS). Also called: DEAFNESS WITH GOITER; THYROID DYSHORMONOGENESIS 2B; THYROID HORMONOGENESIS, GENETIC DEFECT IN, 2B; GOITER-DEAFNESS SYNDROME; Pendred Syndrome (PDS); Pendred's syndrome. Identifiers: Orphanet 705, MedGen C0271829, MONDO:0010134, OMIM 274600.

Allele frequency attached by ClinVar (database versions not stated): TOPMed 0.00014; gnomAD 0.00019 and 0.00021; ExAC 0.00021.
gnomAD v4.1: 350 of 1,602,814 alleles (0.022%); highest among the groups gnomAD compares: Non-Finnish European, 0.028%; no homozygotes.

Submissions 1 to 14 of 25:

CeGaT Center for Human Genetics Tuebingen
Classification: Pathogenic. Last evaluated: 2026-03-01. Review status: criteria provided, single submitter. Criteria: CeGaT Center For Human Genetics Tuebingen Variant Classification Criteria Version 2. Collection method: clinical testing. Allele origin: germline. Affected: yes. Observed: 3 variant alleles.
Comment: SLC26A4: PM3:Very Strong, PM2, PS3:Supporting

Natera, Inc.
Classification: Pathogenic for Pendred syndrome. Last evaluated: 2026-01-14. Review status: criteria provided, single submitter. Criteria: Natera Variant Classification Schema (03/2026). Collection method: clinical testing. Allele origin: germline.
Comment: The c.1246A>C variant in SLC26A4 is a missense variant predicted to cause substitution of threonine to proline at amino acid 416. This variant is rare in the general population with a frequency below the threshold expected for the associated phenotype(s). This variant has been observed in one or more individuals affected with the associated recessive disease, as either homozygous or compound heterozygous with a second variant (PMID: 23336812). Computational prediction algorithms indicate this variant is likely to affect gene or protein function. Given the available evidence, this variant is classified as Pathogenic.

Labcorp Genetics (formerly Invitae), Labcorp
Classification: Pathogenic. Last evaluated: 2025-12-24. Review status: criteria provided, single submitter. Criteria: Invitae Variant Classification Sherloc (09022015). Collection method: clinical testing. Allele origin: germline.
Comment: This sequence change replaces threonine, which is neutral and polar, with proline, which is neutral and non-polar, at codon 416 of the SLC26A4 protein (p.Thr416Pro). This variant is present in population databases (rs28939086, gnomAD 0.04%). This missense change has been observed in individual(s) with Pendred syndrome (PMID: 9618166, 14679580, 24224479). In at least one individual the data is consistent with being in trans (on the opposite chromosome) from a pathogenic variant. ClinVar contains an entry for this variant (Variation ID: 4818). Invitae Evidence Modeling of protein sequence and biophysical properties (such as structural, functional, and spatial information, amino acid conservation, physicochemical variation, residue mobility, and thermodynamic stability) indicates that this missense variant is expected to disrupt SLC26A4 protein function with a positive predictive value of 95%. Experimental studies have shown that this missense change affects SLC26A4 function (PMID: 10861298, 12354788, 18310264). For these reasons, this variant has been classified as Pathogenic.

PreventionGenetics, part of Exact Sciences
Classification: Pathogenic for SLC26A4-related condition. Last evaluated: 2025-10-15. Review status: criteria provided, single submitter. Criteria: ACMG Guidelines, 2015. Collection method: clinical testing. Allele origin: germline.
Comment: The SLC26A4 c.1246A>C variant is predicted to result in the amino acid substitution p.Thr416Pro. This variant has been reported to be causative for Pendred syndrome (Coyle et al. 1998. PubMed ID: 9618167; Van Hauwe et al. 1998. PubMed ID: 9618166; Campbell et al. 2001. PubMed ID: 11317356; Napiontek et al. 2004. PubMed ID: 15531480; Ladsous et al. 2014. PubMed ID: 24224479). Functional studies have shown that this variant results in loss of SLC26A4 induced iodide and chloride transport (Scott et al. 2000. PubMed ID: 10861298). This variant is reported in 0.037% of alleles in individuals of European (Non-Finnish) descent in gnomAD. This variant is interpreted as pathogenic.

Genetics Laboratory, Great Ormond Street Hospital NHS Foundation Trust, North Thames Genomic Laboratory Hub
Classification: Pathogenic for Monogenic hearing loss. Last evaluated: 2025-09-16. Review status: criteria provided, single submitter. Criteria: ACGS Best Practice Guidelines for Variant Classification in Rare Disease 2024 v1.2. Collection method: clinical testing. Allele origin: germline. Affected: yes.
Comment: PM2_supporting, PP3_supporting, PS3_supporting, PM3_very-strong

Ambry Genetics
Classification: Pathogenic for Inborn genetic diseases. Last evaluated: 2025-05-22. Review status: criteria provided, single submitter. Criteria: Ambry Variant Classification Scheme 2023. Collection method: clinical testing. Allele origin: germline.
Comment: The c.1246A>C (p.T416P) alteration is located in exon 10 (coding exon 9) of the SLC26A4 gene. This alteration results from a A to C substitution at nucleotide position 1246, causing the threonine (T) at amino acid position 416 to be replaced by a proline (P). Based on data from gnomAD, this allele has an overall frequency of 0.02% (55/282196) total alleles studied. The highest observed frequency was 0.037% (47/128608) of European (non-Finnish) alleles. This variant has been identified in the homozygous state and/or in conjunction with other SLC26A4 variant(s) in individual(s) with features consistent with SLC26A4-related deafness; in at least one instance, the variants were identified in trans (Van Hauwe, 1998; Downie, 2020; Badyga, 2023). This amino acid position is highly conserved in available vertebrate species. In multiple assays testing SLC26A4 function, this variant showed functionally abnormal results (Scott, 2000; Rotman-Pikielny, 2002). Based on the available evidence, this alteration is classified as pathogenic.

Revvity Omics, Revvity
Classification: Pathogenic. Last evaluated: 2025-04-01. Review status: criteria provided, single submitter. Criteria: ACMG Guidelines, 2015. Collection method: clinical testing. Allele origin: germline.

Blueprint Genetics
Classification: Pathogenic for SLC26A4-related disorders. Last evaluated: 2024-10-25. Review status: criteria provided, single submitter. Criteria: ACMG Guidelines, 2015. Collection method: clinical testing. Allele origin: germline. Affected: yes. Observed: 5 variant alleles.

Baylor Genetics
Classification: Pathogenic for Autosomal recessive nonsyndromic hearing loss 4. Last evaluated: 2024-03-30. Review status: criteria provided, single submitter. Criteria: ACMG Guidelines, 2015. Collection method: clinical testing. Allele origin: unknown.

Centre for Clinical Genetics and Genomic Diagnostics, Zealand University Hospital
Classification: Pathogenic. Last evaluated: 2023-08-22. Review status: criteria provided, single submitter. Criteria: ACMG Guidelines, 2015. Collection method: clinical testing. Allele origin: germline.

Women's Health and Genetics/Laboratory Corporation of America, LabCorp
Classification: Pathogenic for Pendred syndrome. Last evaluated: 2023-05-16. Review status: criteria provided, single submitter. Criteria: LabCorp Variant Classification Summary - May 2015. Collection method: clinical testing. Allele origin: germline.
Comment: Variant summary: SLC26A4 c.1246A>C (p.Thr416Pro) results in a non-conservative amino acid change located in the SLC26A/SulP transporter domain (IPR011547) of the encoded protein sequence. Five of five in-silico tools predict a damaging effect of the variant on protein function. The variant allele was found at a frequency of 0.0002 in 250802 control chromosomes (gnomAD). This frequency is not significantly higher than estimated for a pathogenic variant in SLC26A4 causing Pendred Syndrome (0.0002 vs 0.0035), allowing no conclusion about variant significance. c.1246A>C has been reported in the literature in multiple bi-allelic individuals affected with Pendred Syndrome (examples: Napiontek_2004 and Mey_2019). These data indicate that the variant is very likely to be associated with disease. The following publications have been ascertained in the context of this evaluation (PMID: 15531480, 31633822). Ten clinical diagnostic laboratories have submitted clinical-significance assessments for this variant to ClinVar after 2014 and all classified the variant as pathogenic. Based on the evidence outlined above, the variant was classified as pathogenic.

GeneDx
Classification: Pathogenic. Last evaluated: 2022-02-11. Review status: criteria provided, single submitter. Criteria: GeneDx Variant Classification Process June 2021. Collection method: clinical testing. Allele origin: germline. Affected: yes.
Comment: Published functional studies demonstrate that presence of T416P is associated with decreased or absent pendrin-induced transport of chloride, iodide, and bicarbonate in Xenopus oocytes (Scott et al., 2000; Yoon et al., 2008); In silico analysis supports that this missense variant has a deleterious effect on protein structure/function; This variant is associated with the following publications: (PMID: 22975760, 24224479, 19017801, 9618167, 18283249, 20301640, 12354788, 31599023, 18310264, 15531480, 26969326, 28000701, 23336812, 29739340, 30240412, 27771369, 30484383, 24860705, 31827275, 31980526, 32488467, 34426522, 34171171, 32387678, Byun[article], 31589614, 33199029, 35114279, 33583874, 33827324, 10861298, 11317356, 9618166)

Genome-Nilou Lab
Classification: Pathogenic for Autosomal recessive nonsyndromic hearing loss 4. Last evaluated: 2021-09-05. Review status: criteria provided, single submitter. Criteria: ACMG Guidelines, 2015. Collection method: clinical testing. Allele origin: germline. Affected: no.

Genome-Nilou Lab
Classification: Pathogenic for Pendred syndrome. Last evaluated: 2021-09-05. Review status: criteria provided, single submitter. Criteria: ACMG Guidelines, 2015. Collection method: clinical testing. Allele origin: germline. Affected: no.